The following is an entry in ClinVar:

NM_001365536.1(SCN9A):c.3478G>A (p.Val1160Ile)

Genes: SCN1A-AS1 (SCN1A and SCN9A antisense RNA 1; plus strand), SCN9A (sodium voltage-gated channel alpha subunit 9; minus strand). Cytogenetic location: 2q24.3.
Variant type: single nucleotide variant.
Coding change: c.3478G>A on transcript NM_001365536.1 (MANE Select); coding-DNA position 3478, G replaced by A.
Protein change: p.Val1160Ile; replaces valine 1160 with isoleucine.
Molecular consequence: missense variant.
Genome position (GRCh38, 1-based): chr2:166,242,651, C>T on the plus strand (G>A on the coding strand, the complement: SCN9A is on the minus strand). VCF-style: chr2-166242651-C-T. GRCh37 (hg19) VCF-style: chr2-167099161-C-T.
Other names: c.3445G>A, p.Val1149Ile (NM_002977.4); short protein forms V1149I, V1160I.
Identifiers: ClinVar variation 947095 (VCV000947095.11), dbSNP rs1369161781, ClinGen allele CA349070821.

ClinVar aggregate classification (germline): Uncertain significance. Review status: criteria provided, multiple submitters, no conflicts (2 of 4 stars). 2 submissions from 2 submitters: Uncertain significance (2). Last evaluated 2024-06-13.

Conditions:
Generalized epilepsy with febrile seizures plus, type 7 (GEFSP7). Also called: GEFS+, TYPE 7. Identifiers: Orphanet 36387, MedGen C2751778, MONDO:0013470, OMIM 613863.
Neuropathy, hereditary sensory and autonomic, type 2A (HSAN2A). Also called: HSAN IIA; MORVAN DISEASE; NEUROPATHY, CONGENITAL SENSORY; NEUROPATHY, HEREDITARY SENSORY RADICULAR, AUTOSOMAL RECESSIVE; NEUROPATHY, HEREDITARY SENSORY, TYPE IIA; NEUROPATHY, PROGRESSIVE SENSORY, OF CHILDREN. Identifiers: Orphanet 970, MedGen C2752089, MONDO:0024309, OMIM 201300.

gnomAD v4.1: 2 of 1,546,272 alleles (0.00013%); highest among the groups gnomAD compares: Non-Finnish European, 0.00017%; no homozygotes.

Submissions (2):

Labcorp Genetics (formerly Invitae), Labcorp
Classification: Uncertain significance for Neuropathy, hereditary sensory and autonomic, type 2A; Generalized epilepsy with febrile seizures plus, type 7. Last evaluated: 2024-06-13. Review status: criteria provided, single submitter. Criteria: Invitae Variant Classification Sherloc (09022015). Collection method: clinical testing. Allele origin: germline.
Comment: This sequence change replaces valine, which is neutral and non-polar, with isoleucine, which is neutral and non-polar, at codon 1149 of the SCN9A protein (p.Val1149Ile). This variant is not present in population databases (gnomAD no frequency). This variant has not been reported in the literature in individuals affected with SCN9A-related conditions. ClinVar contains an entry for this variant (Variation ID: 947095). Advanced modeling of protein sequence and biophysical properties (such as structural, functional, and spatial information, amino acid conservation, physicochemical variation, residue mobility, and thermodynamic stability) performed at Invitae indicates that this missense variant is not expected to disrupt SCN9A protein function with a negative predictive value of 95%. In summary, the available evidence is currently insufficient to determine the role of this variant in disease. Therefore, it has been classified as a Variant of Uncertain Significance.

GeneDx
Classification: Uncertain significance. Last evaluated: 2019-06-06. Review status: criteria provided, single submitter. Criteria: GeneDx Variant Classification Process June 2021. Collection method: clinical testing. Allele origin: germline. Affected: yes.
Comment: Has not been previously published as pathogenic or benign to our knowledge; Not observed in large population cohorts (Lek et al., 2016); In silico analysis, which includes protein predictors and evolutionary conservation, supports that this variant does not alter protein structure/function